The following is an entry in ClinVar:

ClinVar aggregate classification (germline): Likely benign (1 of 4 stars; one submission).

Allele frequency attached by ClinVar (database versions not stated): gnomAD exomes 0.00002; gnomAD 0.00001; TOPMed 0.00001.
gnomAD v4.1: 11 of 704,622 alleles (0.0016%); highest among the groups gnomAD compares: Non-Finnish European, 0.0026%; no homozygotes.

Submission:

GeneDx
Classification: Likely benign. Last evaluated: 2017-12-18. Review status: criteria provided, single submitter. Criteria: GeneDx Variant Classification (06012015). Collection method: clinical testing. Allele origin: germline. Affected: yes.
Comment: This variant is considered likely benign or benign based on one or more of the following criteria: it is a conservative change, it occurs at a poorly conserved position in the protein, it is predicted to be benign by multiple in silico algorithms, and/or has population frequency not consistent with disease.

NM_153741.2(DPM3):c.-6+19C>T

Genes: DPM3 (dolichyl-phosphate mannosyltransferase subunit 3, regulatory; minus strand), LOC129931553 (ATAC-STARR-seq lymphoblastoid active region 1807; plus strand). Cytogenetic location: 1q22.
Variant type: single nucleotide variant.
Coding change: c.-6+19C>T on transcript NM_153741.2 (MANE Select); 19 bases into the intron after 6 bases upstream of the start codon, C replaced by T.
Molecular consequence: intron variant.
Genome position (GRCh38, 1-based): chr1:155,140,472, G>A on the plus strand (C>T on the coding strand, the complement: DPM3 is on the minus strand). VCF-style: chr1-155140472-G-A. GRCh37 (hg19) VCF-style: chr1-155112948-G-A.
Identifiers: ClinVar variation 514076 (VCV000514076.1), dbSNP rs531934453, ClinGen allele CA30863587.